The following is an entry in ClinVar:

NM_177438.3(DICER1):c.1440T>C (p.Thr480=)

Gene: DICER1 (dicer 1, ribonuclease III; minus strand). Cytogenetic location: 14q32.13.
Variant type: single nucleotide variant.
Coding change: c.1440T>C on transcript NM_177438.3 (MANE Select); coding-DNA position 1440, T replaced by C.
Protein change: p.Thr480=; no amino-acid change (threonine 480 retained).
Molecular consequence: synonymous variant.
Genome position (GRCh38, 1-based): chr14:95,117,691, A>G on the plus strand (T>C on the coding strand, the complement: DICER1 is on the minus strand). VCF-style: chr14-95117691-A-G. GRCh37 (hg19) VCF-style: chr14-95584028-A-G.
Other names: c.1440T>C, p.Thr480= (NM_001195573.1, NM_001271282.3, NM_001291628.2 and 1 more transcripts).
Identifiers: ClinVar variation 479651 (VCV000479651.18), dbSNP rs1555373201, ClinGen allele CA487631871.

ClinVar aggregate classification (germline): Benign/Likely benign. Review status: criteria provided, multiple submitters, no conflicts (2 of 4 stars). 3 submissions from 3 submitters: Benign (1); Likely benign (2). Last evaluated 2026-04-15.

Conditions:
DICER1-related tumor predisposition. Also called: DICER1-related pleuropulmonary blastoma cancer predisposition syndrome; DICER1 syndrome. Identifiers: Orphanet 284343, MedGen C3839822, MONDO:0100216.
Hereditary cancer-predisposing syndrome. Also called: Hereditary neoplastic syndrome; Neoplastic Syndromes, Hereditary; Hereditary Cancer Syndrome; Tumor predisposition. Identifiers: Orphanet 140162, MedGen C0027672, MeSH D009386, MONDO:0015356.

Allele frequency attached by ClinVar (database versions not stated): gnomAD exomes below 0.00001.
gnomAD v4.1: 2 of 1,613,994 alleles (0.00012%); highest among the groups gnomAD compares: Non-Finnish European, 0.00017%; no homozygotes.

Submissions (3):

Myriad Genetics, Inc.
Classification: Benign for DICER1-related tumor predisposition. Last evaluated: 2026-04-15. Review status: criteria provided, single submitter. Criteria: Myriad Autosomal Dominant, Autosomal Recessive and X-Linked Classification Criteria (2023). Collection method: clinical testing. Allele origin: unknown.
Comment: This variant is considered benign. This variant is a silent/synonymous amino acid change and it is not expected to impact splicing.

Labcorp Genetics (formerly Invitae), Labcorp
Classification: Likely benign for DICER1-related tumor predisposition. Last evaluated: 2025-11-10. Review status: criteria provided, single submitter. Criteria: Invitae Variant Classification Sherloc (09022015). Collection method: clinical testing. Allele origin: germline.

Ambry Genetics
Classification: Likely benign for Hereditary cancer-predisposing syndrome. Last evaluated: 2017-06-20. Review status: criteria provided, single submitter. Criteria: Ambry Variant Classification Scheme 2023. Collection method: clinical testing. Allele origin: germline.